The following is an entry in ClinVar:

NM_014714.4(IFT140):c.187C>T (p.Arg63Trp)

Genes: IFT140 (intraflagellar transport 140; minus strand), LOC105371046 (uncharacterized LOC105371046; plus strand). Cytogenetic location: 16p13.3.
Variant type: single nucleotide variant.
Coding change: c.187C>T on transcript NM_014714.4 (MANE Select); coding-DNA position 187, C replaced by T.
Protein change: p.Arg63Trp; replaces arginine 63 with tryptophan.
Molecular consequence: missense variant.
Genome position (GRCh38, 1-based): chr16:1,602,552, G>A on the plus strand (C>T on the coding strand, the complement: IFT140 is on the minus strand). VCF-style: chr16-1602552-G-A. GRCh37 (hg19) VCF-style: chr16-1652553-G-A.
Other names: short protein forms R63W.
Identifiers: ClinVar variation 2545261 (VCV002545261.5), dbSNP rs377484899, ClinGen allele CA7814786.

ClinVar aggregate classification (germline): Uncertain significance. Review status: criteria provided, multiple submitters, no conflicts (2 of 4 stars). 3 submissions from 3 submitters: Uncertain significance (3). Last evaluated 2025-05-19.

Conditions:
Retinal dystrophy. Also called: Inherited retinal dystrophy. Identifiers: Orphanet 71862, MedGen C0854723, MeSH D058499, MONDO:0019118, HP:0000556.
Inborn genetic diseases. Identifiers: MedGen C0950123, MeSH D030342.

Allele frequency attached by ClinVar (database versions not stated): gnomAD 0.00002; TOPMed 0.00002; ESP Exome Variant Server 0.00008.
gnomAD v4.1: 17 of 1,613,650 alleles (0.0011%); highest among the groups gnomAD compares: East Asian, 0.013%; no homozygotes.

Submissions (3):

Ambry Genetics
Classification: Uncertain significance for Inborn genetic diseases. Last evaluated: 2025-05-19. Review status: criteria provided, single submitter. Criteria: Ambry Variant Classification Scheme 2023. Collection method: clinical testing. Allele origin: germline.

GeneDx
Classification: Uncertain significance. Last evaluated: 2024-09-11. Review status: criteria provided, single submitter. Criteria: GeneDx Variant Classification Process June 2021. Collection method: clinical testing. Allele origin: germline. Affected: yes.
Comment: In silico analysis supports that this missense variant has a deleterious effect on protein structure/function; Has not been previously published as pathogenic or benign to our knowledge

Dept Of Ophthalmology, Nagoya University
Classification: Uncertain significance for Retinal dystrophy. Last evaluated: 2023-10-01. Review status: criteria provided, single submitter. Criteria: Submitter's publication. Collection method: research. Allele origin: germline. Affected: yes.